The following is an entry in ClinVar:

ClinVar aggregate classification (germline): Benign. Review status: criteria provided, multiple submitters, no conflicts (2 of 4 stars). 5 submissions from 5 submitters: Benign (5). Last evaluated 2026-01-25.

Conditions:
Epilepsy, childhood absence, susceptibility to, 6. Identifiers: Orphanet 64280, MedGen C2749872, MONDO:0012763, OMIM 611942.
Hyperaldosteronism, familial, type IV (HALD4). Also called: FH IV; ALDOSTERONISM, PRIMARY, AND HYPERTENSION. Identifiers: Orphanet 642671, MedGen C4310756, MONDO:0014875, OMIM 617027.
Idiopathic generalized epilepsy. Also called: EIG; Generalised epilepsy. Identifiers: MedGen C0270850, MONDO:0005579, OMIM 600669.

Allele frequency attached by ClinVar (database versions not stated): gnomAD exomes 0.00043 and 0.00109; ExAC 0.00245; gnomAD 0.00475 and 0.00508; TOPMed 0.00557; ESP Exome Variant Server 0.00590; 1000 Genomes Project 0.00639; 1000 Genomes Project 30x 0.00640.
gnomAD v4.1: 1,359 of 1,576,298 alleles (0.086%); highest among the groups gnomAD compares: African/African-American, 1.6%; 16 homozygotes.

Submissions (5):

Labcorp Genetics (formerly Invitae), Labcorp
Classification: Benign for Idiopathic generalized epilepsy; Hyperaldosteronism, familial, type IV. Last evaluated: 2026-01-25. Review status: criteria provided, single submitter. Criteria: Invitae Variant Classification Sherloc (09022015). Collection method: clinical testing. Allele origin: germline.

Mayo Clinic Laboratories, Mayo Clinic
Classification: Benign. Last evaluated: 2024-12-13. Review status: criteria provided, single submitter. Criteria: ACMG Guidelines, 2015. Collection method: clinical testing. Allele origin: germline. Observed: 1 variant allele.
Comment: BA1, BS2, BP4, BP7

Fulgent Genetics
Classification: Benign for Epilepsy, childhood absence, susceptibility to, 6; Hyperaldosteronism, familial, type IV. Last evaluated: 2021-08-04. Review status: criteria provided, single submitter. Criteria: ACMG Guidelines, 2015. Collection method: clinical testing. Allele origin: unknown.

Athena Diagnostics
Classification: Benign. Last evaluated: 2019-01-16. Review status: criteria provided, single submitter. Criteria: Athena Diagnostics Criteria. Collection method: clinical testing. Allele origin: germline.

Breakthrough Genomics
Classification: Benign. Review status: criteria provided, single submitter. Criteria: ACMG Guidelines, 2015. Collection method: not provided. Allele origin: germline. Inheritance: Autosomal dominant inheritance. Affected: yes.

NM_021098.3(CACNA1H):c.1381C>T (p.Leu461=)

Gene: CACNA1H (calcium voltage-gated channel subunit alpha1 H; plus strand). Cytogenetic location: 16p13.3.
Variant type: single nucleotide variant.
Coding change: c.1381C>T on transcript NM_021098.3 (MANE Select); coding-DNA position 1381, C replaced by T.
Protein change: p.Leu461=; no amino-acid change (leucine 461 retained).
Molecular consequence: synonymous variant.
Genome position (GRCh38, 1-based): chr16:1,201,831, C>T. VCF-style: chr16-1201831-C-T. GRCh37 (hg19) VCF-style: chr16-1251831-C-T.
Other names: p.Leu461=; c.1381C>T, p.Leu461= (NM_001005407.2).
Identifiers: ClinVar variation 460043 (VCV000460043.16), dbSNP rs57112868, ClinGen allele CA7799925.